The following is an entry in ClinVar:

Conditions:
Long QT syndrome 5 (LQT5). Identifiers: Orphanet 101016, Orphanet 768, MedGen C1867904, MONDO:0013372, OMIM 613695.

Submission:

Roden Lab, Vanderbilt University Medical Center
No classification provided (evidence only). Condition: Long QT syndrome 5. Review status: no classification provided. Collection method: in vitro. Allele origin: not applicable. Functional consequence: Effect on ion channel function.
ClinVar note: "not provided" was previously submitted as the classification for the variant. However, the classification appeared to be based only on an observation of functional data so it was converted to no classification on 2025-07-30.

NM_000219.6(KCNE1):c.296T>G (p.Val99Gly)

Gene: KCNE1 (potassium voltage-gated channel subfamily E regulatory subunit 1; minus strand). Cytogenetic location: 21q22.12.
Variant type: single nucleotide variant.
Coding change: c.296T>G on transcript NM_000219.6 (MANE Select); coding-DNA position 296, T replaced by G.
Protein change: p.Val99Gly; replaces valine 99 with glycine.
Molecular consequence: missense variant.
Genome position (GRCh38, 1-based): chr21:34,449,339, A>C on the plus strand (T>G on the coding strand, the complement: KCNE1 is on the minus strand). VCF-style: chr21-34449339-A-C. GRCh37 (hg19) VCF-style: chr21-35821637-A-C.
Other names: c.296T>G, p.Val99Gly (NM_001127668.4, NM_001127669.4, NM_001127670.4 and 4 more transcripts); short protein forms V99G.
Identifiers: ClinVar variation 3374563 (VCV003374563.2).